The following is an entry in ClinVar:

NM_004036.5(ADCY3):c.2775G>A (p.Met925Ile)

Gene: ADCY3 (adenylate cyclase 3; minus strand). Cytogenetic location: 2p23.3.
Variant type: single nucleotide variant.
Coding change: c.2775G>A on transcript NM_004036.5 (MANE Select); coding-DNA position 2775, G replaced by A.
Protein change: p.Met925Ile; replaces methionine 925 with isoleucine.
Molecular consequence: missense variant. On other transcripts: intron variant (1).
Genome position (GRCh38, 1-based): chr2:24,823,317, C>T on the plus strand (G>A on the coding strand, the complement: ADCY3 is on the minus strand). VCF-style: chr2-24823317-C-T. GRCh37 (hg19) VCF-style: chr2-25046186-C-T.
Other names: c.2778G>A, p.Met926Ile (NM_001320613.2); c.2841G>A, p.Met947Ile (NM_001377128.1); c.2637G>A, p.Met879Ile (NM_001377129.1); c.2052G>A, p.Met684Ile (NM_001377131.1); c.2775G>A, p.Met925Ile (NM_001377132.1); c.2332-687G>A (NM_001377130.1); short protein forms M684I, M879I, M925I, M926I, M947I.
Identifiers: ClinVar variation 3345044 (VCV003345044.1).

ClinVar aggregate classification (germline): Uncertain significance (0 of 4 stars; one submission).

Conditions:
ADCY3-related disorder. Also called: ADCY3-related condition.

gnomAD v4.1: 1 of 1,613,884 alleles (0.000062%); no homozygotes.

Submission:

PreventionGenetics, part of Exact Sciences
Classification: Uncertain significance for ADCY3-related condition. Last evaluated: 2024-06-07. Review status: no assertion criteria provided. Collection method: clinical testing. Allele origin: germline.
Comment: The ADCY3 c.2778G>A variant is predicted to result in the amino acid substitution p.Met926Ile. To our knowledge, this variant has not been reported in the literature. This variant is reported in 0.0046% of alleles in individuals of European (Finnish) descent in gnomAD. At this time, the clinical significance of this variant is uncertain due to the absence of conclusive functional and genetic evidence.